The following is an entry in ClinVar:

ClinVar aggregate classification (germline): Uncertain significance (1 of 4 stars; one submission).

gnomAD v4.1: 1 of 1,614,088 alleles (0.000062%); highest among the groups gnomAD compares: Non-Finnish European, 0.000085%; no homozygotes.

Submission:

Ambry Genetics
Classification: Uncertain significance. Last evaluated: 2025-05-25. Review status: criteria provided, single submitter. Criteria: Ambry Variant Classification Scheme 2023. Collection method: clinical testing. Allele origin: germline.
Comment: The p.T940I variant (also known as c.2819C>T), located in coding exon 1 of the TET2 gene, results from a C to T substitution at nucleotide position 2819. The threonine at codon 940 is replaced by isoleucine, an amino acid with similar properties. This amino acid position is conserved. In addition, this alteration is predicted to be tolerated by in silico analysis. Based on the available evidence, the clinical significance of this variant remains unclear.

NM_001127208.3(TET2):c.2819C>T (p.Thr940Ile)

Genes: TET2 (tet methylcytosine dioxygenase 2; plus strand), TET2-AS1 (TET2 antisense RNA 1; minus strand). Cytogenetic location: 4q24.
Variant type: single nucleotide variant.
Coding change: c.2819C>T on transcript NM_001127208.3 (MANE Select); coding-DNA position 2819, C replaced by T.
Protein change: p.Thr940Ile; replaces threonine 940 with isoleucine.
Molecular consequence: missense variant.
Genome position (GRCh38, 1-based): chr4:105,236,761, C>T. VCF-style: chr4-105236761-C-T. GRCh37 (hg19) VCF-style: chr4-106157918-C-T.
Other names: c.2819C>T, p.Thr940Ile (NM_017628.4); short protein forms T940I.
Identifiers: ClinVar variation 3967668 (VCV003967668.1).